The following is an entry in ClinVar:

ClinVar aggregate classification (germline): Likely benign (0 of 4 stars; one submission).

Conditions:
KIT-related disorder. Also called: KIT-related condition.

Submission:

PreventionGenetics, part of Exact Sciences
Classification: Likely benign for KIT-related condition. Last evaluated: 2022-09-26. Review status: no assertion criteria provided. Collection method: clinical testing. Allele origin: germline.
Comment: This variant is classified as likely benign based on ACMG/AMP sequence variant interpretation guidelines (Richards et al. 2015 PMID: 25741868, with internal and published modifications).

NM_000222.3(KIT):c.-9G>T

Gene: KIT (KIT proto-oncogene, receptor tyrosine kinase; plus strand). Cytogenetic location: 4q12.
Variant type: single nucleotide variant.
Coding change: c.-9G>T on transcript NM_000222.3 (MANE Select); 9 bases upstream of the start codon, G replaced by T.
Molecular consequence: 5 prime UTR variant.
Genome position (GRCh38, 1-based): chr4:54,658,006, G>T. VCF-style: chr4-54658006-G-T. GRCh37 (hg19) VCF-style: chr4-55524173-G-T.
Other names: c.-9G>T (NM_001093772.2, NM_001385284.1, NM_001385285.1 and 4 more transcripts).
Identifiers: ClinVar variation 3044158 (VCV003044158.2), dbSNP rs1171272753, ClinGen allele CA2740091279.